The following is an entry in ClinVar:

ClinVar aggregate classification (germline): Uncertain significance. Review status: criteria provided, multiple submitters, no conflicts (2 of 4 stars). 3 submissions from 3 submitters: Uncertain significance (2). 1 of the submissions does not count toward it. Last evaluated 2025-06-08.

Conditions:
Intellectual developmental disorder, autosomal dominant 55, with seizures. Also called: MENTAL RETARDATION, AUTOSOMAL DOMINANT 55, WITH SEIZURES; Intellectual disability, autosomal dominant 55, with seizures. Identifiers: MedGen C4693371, MONDO:0030921, OMIM 617831.
Congenital disorder of glycosylation, type Iaa. Also called: Congenital disorder of glycosylation, type 1aa. Identifiers: MedGen C4310727, MONDO:0014904, OMIM 617082.

gnomAD v4.1: 7 of 1,535,038 alleles (0.00046%); highest among the groups gnomAD compares: South Asian, 0.0024%; no homozygotes.

Submissions (3):

Labcorp Genetics (formerly Invitae), Labcorp
Classification: Uncertain significance for Congenital disorder of glycosylation, type Iaa. Last evaluated: 2025-06-08. Review status: criteria provided, single submitter. Criteria: Invitae Variant Classification Sherloc (09022015). Collection method: clinical testing. Allele origin: germline.
Comment: This sequence change replaces glycine, which is neutral and non-polar, with arginine, which is basic and polar, at codon 74 of the NUS1 protein (p.Gly74Arg). This variant is not present in population databases (gnomAD no frequency). This variant has not been reported in the literature in individuals affected with NUS1-related conditions. ClinVar contains an entry for this variant (Variation ID: 3896501). An algorithm developed to predict the effect of missense changes on protein structure and function outputs the following: PolyPhen-2: "Benign". The arginine amino acid residue is found in multiple mammalian species, which suggests that this missense change does not adversely affect protein function. In summary, the available evidence is currently insufficient to determine the role of this variant in disease. Therefore, it has been classified as a Variant of Uncertain Significance.

Women's Health and Genetics/Laboratory Corporation of America, LabCorp
Classification: Uncertain significance. Last evaluated: 2025-04-03. Review status: criteria provided, single submitter. Criteria: LabCorp Variant Classification Summary - May 2015. Collection method: clinical testing. Allele origin: germline.
Comment: Variant summary: NUS1 c.220G>C (p.Gly74Arg) results in a non-conservative amino acid change in the encoded protein sequence. Four of five in-silico tools predict a benign effect of the variant on protein function. The variant was absent in 132006 control chromosomes. The available data on variant occurrences in the general population are insufficient to allow any conclusion about variant significance. To our knowledge, no occurrence of c.220G>C in individuals affected with NUS1-Related Disorders and no experimental evidence demonstrating its impact on protein function have been reported. No submitters have cited clinical-significance assessments for this variant to ClinVar. Based on the evidence outlined above, the variant was classified as uncertain significance.

Hong-Tao Li Lab, Institute of Brain Science and Brain-inspired Research, Shandong First Medical University & Shandong Academy of Medical Sciences China
Classification: Uncertain significance for Intellectual developmental disorder, autosomal dominant 55, with seizures. Review status: no assertion criteria provided. Collection method: research. Allele origin: germline. Inheritance: Autosomal dominant inheritance. Affected: yes. Observed: 1 variant allele, 1 heterozygote. Not counted in ClinVar's aggregate classification.
Comment: Observed in affected individuals from a Pakistani neurodevelopmental-disorder research cohort of 263 individuals. Classification assigned using the ACMG/AMP framework.

NM_138459.5(NUS1):c.220G>C (p.Gly74Arg)

Gene: NUS1 (NUS1 dehydrodolichyl diphosphate synthase subunit; plus strand). Cytogenetic location: 6q22.1.
Variant type: single nucleotide variant.
Coding change: c.220G>C on transcript NM_138459.5 (MANE Select); coding-DNA position 220, G replaced by C.
Protein change: p.Gly74Arg; replaces glycine 74 with arginine.
Molecular consequence: missense variant.
Genome position (GRCh38, 1-based): chr6:117,675,890, G>C. VCF-style: chr6-117675890-G-C. GRCh37 (hg19) VCF-style: chr6-117997053-G-C.
Other names: short protein forms G74R.
Identifiers: ClinVar variation 3896501 (VCV003896501.4).
Genomic context (GRCh38, chr6:117,675,890, plus strand): 5'-TTCACGCTCCGCAAGCCCCCGGCAGTCGGCAGGAACCGCCGTCACCACCGGCACCCGCGC[G>C]GGGGGTCGTGCCTGGCAGCCGCACACCACCGGATGCGCTGGCGCGCGGACGGTCGTTCCT-3'
Protein context (NP_612468.1, residues 64-84): RNRRHHRHPR[Gly74Arg]GSCLAAAHHR